The following is an entry in ClinVar:

ClinVar aggregate classification (germline): Likely benign. Review status: criteria provided, multiple submitters, no conflicts (2 of 4 stars). 2 submissions from 2 submitters: Likely benign (2). Last evaluated 2025-06-27.

Conditions:
Tuberous sclerosis 2 (TSC2). Identifiers: Orphanet 805, MedGen C1860707, MONDO:0013199, OMIM 613254.

Submissions (2):

Labcorp Genetics (formerly Invitae), Labcorp
Classification: Likely benign for Tuberous sclerosis 2. Last evaluated: 2025-06-27. Review status: criteria provided, single submitter. Criteria: Invitae Variant Classification Sherloc (09022015). Collection method: clinical testing. Allele origin: germline.

GeneDx
Classification: Likely benign. Last evaluated: 2015-12-30. Review status: criteria provided, single submitter. Criteria: GeneDx Variant Classification (06012015). Collection method: clinical testing. Allele origin: germline. Affected: yes.
Comment: This variant is considered likely benign or benign based on one or more of the following criteria: it is a conservative change, it occurs at a poorly conserved position in the protein, it is predicted to be benign by multiple in silico algorithms, and/or has population frequency not consistent with disease.

NM_000548.5(TSC2):c.2742+20A>C

Gene: TSC2 (TSC complex subunit 2; plus strand). Cytogenetic location: 16p13.3.
Variant type: single nucleotide variant.
Coding change: c.2742+20A>C on transcript NM_000548.5 (MANE Select); 20 bases into the intron after coding-DNA position 2742, A replaced by C.
Molecular consequence: intron variant.
Genome position (GRCh38, 1-based): chr16:2,076,190, A>C. VCF-style: chr16-2076190-A-C. GRCh37 (hg19) VCF-style: chr16-2126191-A-C.
Other names: c.2742+20A>C (NM_001114382.3, NM_021055.3, NM_001370405.1 and 3 more transcripts); c.2631+20A>C (NM_001318827.2); c.2142+20A>C (NM_001318831.2); c.2595+20A>C (NM_001318829.2); c.2775+20A>C (NM_001318832.2).
Identifiers: ClinVar variation 382592 (VCV000382592.4), dbSNP rs1057521395, ClinGen allele CA16606933.